The following is an entry in ClinVar:

ClinVar aggregate classification (germline): Conflicting classifications of pathogenicity. Review status: criteria provided, conflicting classifications (1 of 4 stars). 3 submissions from 3 submitters: Uncertain significance (1); Benign (1); Likely benign (1). Last evaluated 2025-12-12.

Conditions:
Cardiovascular phenotype. Identifiers: MedGen CN230736.
Hereditary hemorrhagic telangiectasia (HHT). Also called: Osler hemorrhagic telangiectasia syndrome; ORW DISEASE; Osler Weber Rendu syndrome; OSLER-RENDU-WEBER DISEASE. Identifiers: Orphanet 774, MedGen C0039445, MONDO:0019180. Disease mechanism: loss of function.
Telangiectasia, hereditary hemorrhagic, type 1 (HHT1). Also called: Osler Weber Rendu syndrome type 1; ENG-Related Hereditary Hemorrhagic Telangiectasia. Identifiers: Orphanet 774, MedGen C4551861, MONDO:0008535, OMIM 187300. Disease mechanism: loss of function.

Allele frequency attached by ClinVar (database versions not stated): ExAC 0.00003; gnomAD exomes 0.00003; ESP Exome Variant Server 0.00008; TOPMed 0.00010; gnomAD 0.00013; 1000 Genomes Project 0.00040; 1000 Genomes Project 30x 0.00047.
gnomAD v4.1: 37 of 1,614,252 alleles (0.0023%); highest among the groups gnomAD compares: African/African-American, 0.04%; no homozygotes.

Submissions (3):

Ambry Genetics
Classification: Likely benign for Cardiovascular phenotype. Last evaluated: 2025-12-12. Review status: criteria provided, single submitter. Criteria: Ambry Variant Classification Scheme 2023. Collection method: clinical testing. Allele origin: germline.

Clinical Genomics Laboratory, Washington University in St. Louis
Classification: Uncertain significance for Telangiectasia, hereditary hemorrhagic, type 1. Last evaluated: 2025-11-30. Review status: criteria provided, single submitter. Criteria: ACMG Guidelines, 2015. Collection method: clinical testing. Allele origin: germline.
Comment: An ENG c.1637C>T (p.Thr546Ile) variant was identified at a near heterozygous allelic fraction of 46.9%, a frequency which may be consistent with it being of germline origin. This variant, to our knowledge, has not been reported in the medical literature. It has been reported in the ClinVar database as a germline benign variant in Hereditary hemorrhagic telangiectasia by one submitter (Variation ID: 1036135). It is observed on only 37/1,614,252 alleles in the general population (gnomAD v4.1.0), indicating it is not a common variant. Due to limited information, and based on ACMG/AMP guidelines for variant interpretation (Richards S et al., PMID: 25741868), the clinical significance of this variant is uncertain at this time.

Labcorp Genetics (formerly Invitae), Labcorp
Classification: Benign for Hereditary hemorrhagic telangiectasia. Last evaluated: 2025-08-05. Review status: criteria provided, single submitter. Criteria: Invitae Variant Classification Sherloc (09022015). Collection method: clinical testing. Allele origin: germline.

NM_001114753.3(ENG):c.1637C>T (p.Thr546Ile)

Genes: ENG (endoglin; minus strand), LOC102723566 (uncharacterized LOC102723566; plus strand). Cytogenetic location: 9q34.11.
Variant type: single nucleotide variant.
Coding change: c.1637C>T on transcript NM_001114753.3 (MANE Select); coding-DNA position 1637, C replaced by T.
Protein change: p.Thr546Ile; replaces threonine 546 with isoleucine.
Molecular consequence: missense variant.
Genome position (GRCh38, 1-based): chr9:127,818,169, G>A on the plus strand (C>T on the coding strand, the complement: ENG is on the minus strand). VCF-style: chr9-127818169-G-A. GRCh37 (hg19) VCF-style: chr9-130580448-G-A.
Other names: c.1637C>T, p.Thr546Ile (NM_000118.4); c.1091C>T, p.Thr364Ile (NM_001278138.2); c.1637C>T (NM_001114753.1); short protein forms T546I, T364I.
Identifiers: ClinVar variation 1036135 (VCV001036135.12), dbSNP rs372453075, ClinGen allele CA5252711.